The following is an entry in ClinVar:

NM_014244.5(ADAMTS2):c.2958+87G>A

Gene: ADAMTS2 (ADAM metallopeptidase with thrombospondin type 1 motif 2; minus strand). Cytogenetic location: 5q35.3.
Variant type: single nucleotide variant.
Coding change: c.2958+87G>A on transcript NM_014244.5 (MANE Select); 87 bases into the intron after coding-DNA position 2958, G replaced by A.
Molecular consequence: intron variant.
Genome position (GRCh38, 1-based): chr5:179,124,886, C>T on the plus strand (G>A on the coding strand, the complement: ADAMTS2 is on the minus strand). VCF-style: chr5-179124886-C-T. GRCh37 (hg19) VCF-style: chr5-178551887-C-T.
Identifiers: ClinVar variation 676401 (VCV000676401.1), dbSNP rs73806893, ClinGen allele CA133027163.

ClinVar aggregate classification (germline): Benign (1 of 4 stars; one submission).

Allele frequency attached by ClinVar (database versions not stated): gnomAD exomes 0.00265; gnomAD 0.02555 and 0.02714; 1000 Genomes Project 0.03215; 1000 Genomes Project 30x 0.03295.
gnomAD v4.1: 7,873 of 1,597,986 alleles (0.49%); highest among the groups gnomAD compares: African/African-American, 9.1%; 290 homozygotes.

Submission:

GeneDx
Classification: Benign. Last evaluated: 2018-06-16. Review status: criteria provided, single submitter. Criteria: GeneDx Variant Classification (06012015). Collection method: clinical testing. Allele origin: germline. Affected: yes.
Comment: This variant is considered likely benign or benign based on one or more of the following criteria: it is a conservative change, it occurs at a poorly conserved position in the protein, it is predicted to be benign by multiple in silico algorithms, and/or has population frequency not consistent with disease.